The following is an entry in ClinVar:

NM_138386.3(NAF1):c.35A>C (p.Glu12Ala)

Gene: NAF1 (nuclear assembly factor 1 ribonucleoprotein; minus strand). Cytogenetic location: 4q32.2.
Variant type: single nucleotide variant.
Coding change: c.35A>C on transcript NM_138386.3 (MANE Select); coding-DNA position 35, A replaced by C.
Protein change: p.Glu12Ala; replaces glutamic acid 12 with alanine.
Molecular consequence: missense variant.
Genome position (GRCh38, 1-based): chr4:163,166,693, T>G on the plus strand (A>C on the coding strand, the complement: NAF1 is on the minus strand). VCF-style: chr4-163166693-T-G. GRCh37 (hg19) VCF-style: chr4-164087845-T-G.
Other names: c.35A>C, p.Glu12Ala (NM_001128931.2); short protein forms E12A.
Identifiers: ClinVar variation 2287240 (VCV002287240.5), dbSNP rs1360916968, ClinGen allele CA358662078.

ClinVar aggregate classification (germline): Uncertain significance. Review status: criteria provided, multiple submitters, no conflicts (2 of 4 stars). 2 submissions from 2 submitters: Uncertain significance (2). Last evaluated 2025-12-03.

Allele frequency attached by ClinVar (database versions not stated): gnomAD exomes 0.00001.
gnomAD v4.1: 3 of 1,613,758 alleles (0.00019%); highest among the groups gnomAD compares: Non-Finnish European, 0.00025%; no homozygotes.

Submissions (2):

Labcorp Genetics (formerly Invitae), Labcorp
Classification: Uncertain significance. Last evaluated: 2025-12-03. Review status: criteria provided, single submitter. Criteria: Invitae Variant Classification Sherloc (09022015). Collection method: clinical testing. Allele origin: germline.
Comment: This sequence change replaces glutamic acid, which is acidic and polar, with alanine, which is neutral and non-polar, at codon 12 of the NAF1 protein (p.Glu12Ala). This variant is present in population databases (no rsID available, gnomAD 0.0009%). This variant has not been reported in the literature in individuals affected with NAF1-related conditions. ClinVar contains an entry for this variant (Variation ID: 2287240). An algorithm developed to predict the effect of missense changes on protein structure and function (PolyPhen-2) suggests that this variant is likely to be tolerated. In summary, the available evidence is currently insufficient to determine the role of this variant in disease. Therefore, it has been classified as a Variant of Uncertain Significance.

Ambry Genetics
Classification: Uncertain significance. Last evaluated: 2022-05-04. Review status: criteria provided, single submitter. Criteria: Ambry Variant Classification Scheme 2023. Collection method: clinical testing. Allele origin: germline.